The following is an entry in ClinVar:

ClinVar aggregate classification (germline): Conflicting classifications of pathogenicity. Review status: criteria provided, conflicting classifications (1 of 4 stars). 2 submissions from 1 submitter: Uncertain significance (1); Likely benign (1). Last evaluated 2018-01-12.

Conditions:
Sacral defect with anterior meningocele. Identifiers: MedGen C1838568, OMIM 600145.
Neural tube defect (NTD). Also called: Neural tube defects. Identifiers: Orphanet 3388, Orphanet 823, MedGen C0027794, MONDO:0018075, HP:0045005.

Allele frequency attached by ClinVar (database versions not stated): gnomAD 0.00003 and 0.00005; gnomAD exomes 0.00003; TOPMed 0.00003; ExAC 0.00006; 1000 Genomes Project 0.00060; 1000 Genomes Project 30x 0.00062.
gnomAD v4.1: 34 of 1,614,096 alleles (0.0021%); highest among the groups gnomAD compares: South Asian, 0.026%; no homozygotes.

Submissions (2):

Illumina Laboratory Services, Illumina
Classification: Likely benign for Sacral defect with anterior meningocele. Last evaluated: 2018-01-12. Review status: criteria provided, single submitter. Criteria: ICSL Variant Classification Criteria 13 December 2019. Collection method: clinical testing. Allele origin: germline.
Comment: This variant was observed in the ICSL laboratory as part of a predisposition screen in an ostensibly healthy population. It had not been previously curated by ICSL or reported in the Human Gene Mutation Database (HGMD: prior to June 1st, 2018), and was therefore a candidate for classification through an automated scoring system. Utilizing variant allele frequency, disease prevalence and penetrance estimates, and inheritance mode, an automated score was calculated to assess if this variant is too frequent to cause the disease. Based on the score and internal cut-off values, a variant classified as likely benign is not then subjected to further curation. The score for this variant resulted in a classification of likely benign for this disease.

Illumina Laboratory Services, Illumina
Classification: Uncertain significance for Neural tube defects, susceptibility to. Last evaluated: 2018-01-12. Review status: criteria provided, single submitter. Criteria: ICSL Variant Classification Criteria 13 December 2019. Collection method: clinical testing. Allele origin: germline.

NM_138959.3(VANGL1):c.1023C>T (p.Asn341=)

Gene: VANGL1 (VANGL planar cell polarity protein 1; plus strand). Cytogenetic location: 1p13.1.
Variant type: single nucleotide variant.
Coding change: c.1023C>T on transcript NM_138959.3 (MANE Select); coding-DNA position 1023, C replaced by T.
Protein change: p.Asn341=; no amino-acid change (asparagine 341 retained).
Molecular consequence: synonymous variant.
Genome position (GRCh38, 1-based): chr1:115,684,020, C>T. VCF-style: chr1-115684020-C-T. GRCh37 (hg19) VCF-style: chr1-116226641-C-T.
Other names: c.1017C>T, p.Asn339= (NM_001172411.2); c.1023C>T, p.Asn341= (NM_001172412.2).
Identifiers: ClinVar variation 873610 (VCV000873610.4), dbSNP rs543050989, ClinGen allele CA1023411.